The following is an entry in ClinVar:

NM_022772.4(EPS8L2):c.*429C>T

Gene: EPS8L2 (EPS8 signaling adaptor L2; plus strand). Cytogenetic location: 11p15.5.
Variant type: single nucleotide variant.
Coding change: c.*429C>T on transcript NM_022772.4 (MANE Select); 429 bases downstream of the stop codon, C replaced by T.
Molecular consequence: 3 prime UTR variant.
Genome position (GRCh38, 1-based): chr11:727,410, C>T. VCF-style: chr11-727410-C-T. GRCh37 (hg19) VCF-style: chr11-727410-C-T.
Identifiers: ClinVar variation 2641091 (VCV002641091.24), dbSNP rs561506168, ClinGen allele CA216943402.
Genomic context (GRCh38, chr11:727,410, plus strand): 5'-ACCCCAGGGTGAGCTGGAGCTCCAGGCTGGCCAGGCTGAACCTCGCACACACGCAGAGTT[C>T]TGCTCCCTGAGGGGGGCCCGGGAGGGGCTCCAGCAGGAGGCCGTGGGTGCCATTCGGGGG-3'

ClinVar aggregate classification (germline): Likely benign (1 of 4 stars; one submission).

Allele frequency attached by ClinVar (database versions not stated): gnomAD exomes 0.00051; 1000 Genomes Project 0.00060; 1000 Genomes Project 30x 0.00062.
gnomAD v4.1: 120 of 156,390 alleles (0.077%); highest among the groups gnomAD compares: Admixed American, 0.41%; no homozygotes.

Submission:

CeGaT Center for Human Genetics Tuebingen
Classification: Likely benign. Last evaluated: 2023-10-01. Review status: criteria provided, single submitter. Criteria: CeGaT Center For Human Genetics Tuebingen Variant Classification Criteria Version 2. Collection method: clinical testing. Allele origin: germline. Affected: yes. Observed: 1 variant allele.
Comment: EPS8L2: BP4, BP7